The following is an entry in ClinVar:

NM_004972.4(JAK2):c.2175A>G (p.Glu725=)

Genes: JAK2 (Janus kinase 2; plus strand), INSL6 (insulin like 6; minus strand). Cytogenetic location: 9p24.1.
Variant type: single nucleotide variant.
Coding change: c.2175A>G on transcript NM_004972.4 (MANE Select); coding-DNA position 2175, A replaced by G.
Protein change: p.Glu725=; no amino-acid change (glutamic acid 725 retained).
Molecular consequence: synonymous variant. On other transcripts: non-coding transcript variant (2).
Genome position (GRCh38, 1-based): chr9:5,080,272, A>G. VCF-style: chr9-5080272-A-G. GRCh37 (hg19) VCF-style: chr9-5080272-A-G.
Other names: c.2175A>G, p.Glu725= (NM_001322194.2, NM_001322195.2, NM_001322196.2); c.960A>G, p.Glu320= (NM_001322198.2, NM_001322199.2); c.1728A>G, p.Glu576= (NM_001322204.2).
Identifiers: ClinVar variation 1031487 (VCV001031487.3), dbSNP rs892216772, ClinGen allele CA188435986.

ClinVar aggregate classification (germline): Conflicting classifications of pathogenicity. Review status: criteria provided, conflicting classifications (1 of 4 stars). 2 submissions from 2 submitters: Uncertain significance (1); Likely benign (1). Last evaluated 2025-01-23.

Conditions:
Thrombocythemia 3 (THCYT3). Also called: THROMBOCYTHEMIA 3, SOMATIC; THROMBOCYTOSIS 3. Identifiers: MedGen C3281125, MONDO:0013794, OMIM 614521.

Allele frequency attached by ClinVar (database versions not stated): gnomAD 0.00001.
gnomAD v4.1: 5 of 1,613,608 alleles (0.00031%); highest among the groups gnomAD compares: East Asian, 0.0022%; no homozygotes.

Submissions (2):

Labcorp Genetics (formerly Invitae), Labcorp
Classification: Likely benign. Last evaluated: 2025-01-23. Review status: criteria provided, single submitter. Criteria: Invitae Variant Classification Sherloc (09022015). Collection method: clinical testing. Allele origin: germline.

Baylor Genetics
Classification: Uncertain significance for Thrombocythemia 3. Last evaluated: 2018-02-27. Review status: criteria provided, single submitter. Criteria: ACMG Guidelines, 2015. Collection method: clinical testing. Allele origin: paternal. Affected: yes.
Comment: This variant was determined to be of uncertain significance according to ACMG Guidelines, 2015 [PMID:25741868].